The following is an entry in ClinVar:

ClinVar aggregate classification (germline): Uncertain significance (1 of 4 stars; one submission).

Submission:

Labcorp Genetics (formerly Invitae), Labcorp
Classification: Uncertain significance. Last evaluated: 2025-12-15. Review status: criteria provided, single submitter. Criteria: Invitae Variant Classification Sherloc (09022015). Collection method: clinical testing. Allele origin: germline.
Comment: This sequence change replaces leucine, which is neutral and non-polar, with phenylalanine, which is neutral and non-polar, at codon 319 of the PCNT protein (p.Leu319Phe). This variant is not present in population databases (gnomAD no frequency). This variant has not been reported in the literature in individuals affected with PCNT-related conditions. An algorithm developed to predict the effect of missense changes on protein structure and function (PolyPhen-2) suggests that this variant is likely to be disruptive. In summary, the available evidence is currently insufficient to determine the role of this variant in disease. Therefore, it has been classified as a Variant of Uncertain Significance.

NM_006031.6(PCNT):c.955C>T (p.Leu319Phe)

Gene: PCNT (pericentrin; plus strand). Cytogenetic location: 21q22.3.
Variant type: single nucleotide variant.
Coding change: c.955C>T on transcript NM_006031.6 (MANE Select); coding-DNA position 955, C replaced by T.
Protein change: p.Leu319Phe; replaces leucine 319 with phenylalanine.
Molecular consequence: missense variant.
Genome position (GRCh38, 1-based): chr21:46,346,977, C>T. VCF-style: chr21-46346977-C-T. GRCh37 (hg19) VCF-style: chr21-47766891-C-T.
Other names: c.601C>T, p.Leu201Phe (NM_001315529.2); short protein forms L201F, L319F.
Identifiers: ClinVar variation 4703766 (VCV004703766.1).